The following is an entry in ClinVar:

NM_000136.3(FANCC):c.410G>A (p.Gly137Asp)

Gene: FANCC (FA complementation group C; minus strand). Cytogenetic location: 9q22.32.
Variant type: single nucleotide variant.
Coding change: c.410G>A on transcript NM_000136.3 (MANE Select); coding-DNA position 410, G replaced by A.
Protein change: p.Gly137Asp; replaces glycine 137 with aspartic acid.
Molecular consequence: missense variant.
Genome position (GRCh38, 1-based): chr9:95,172,083, C>T on the plus strand (G>A on the coding strand, the complement: FANCC is on the minus strand). VCF-style: chr9-95172083-C-T. GRCh37 (hg19) VCF-style: chr9-97934365-C-T.
Other names: c.410G>A, p.Gly137Asp (NM_001243743.2, NM_001243744.2); short protein forms G137D.
Identifiers: ClinVar variation 3848342 (VCV003848342.1).
Genomic context (GRCh38, chr9:95,172,083, plus strand): 5'-TTTTAAATACTCACATTTTTAAGCAAACCAGGATAGTAATCTATAGGTGCATACCCAAGA[C>T]CTTGAGTGAAAAGAGCAACTTCTTTATCAAATCTGAGTGCTGAAAGTATATGAGATAATA-3'
Protein context (NP_000127.2, residues 127-147): FDKEVALFTQ[Gly137Asp]LGYAPIDYYP

ClinVar aggregate classification (germline): Uncertain significance (1 of 4 stars; one submission).

Conditions:
Hereditary cancer-predisposing syndrome. Also called: Hereditary neoplastic syndrome; Neoplastic Syndromes, Hereditary; Tumor predisposition; Hereditary Cancer Syndrome. Identifiers: Orphanet 140162, MedGen C0027672, MeSH D009386, MONDO:0015356.

Submission:

Ambry Genetics
Classification: Uncertain significance for Hereditary cancer-predisposing syndrome. Last evaluated: 2025-02-22. Review status: criteria provided, single submitter. Criteria: Ambry Variant Classification Scheme 2023. Collection method: clinical testing. Allele origin: germline.
Comment: The p.G137D variant (also known as c.410G>A), located in coding exon 4 of the FANCC gene, results from a G to A substitution at nucleotide position 410. The glycine at codon 137 is replaced by aspartic acid, an amino acid with similar properties. This amino acid position is conserved. In addition, this alteration is predicted to be tolerated by in silico analysis. Based on the available evidence, the clinical significance of this variant remains unclear.